The following is an entry in ClinVar:

ClinVar aggregate classification (germline): Uncertain significance (1 of 4 stars; one submission).

Conditions:
Congenital myopathy with internal nuclei and atypical cores. Also called: Myopathy, centronuclear, 4. Identifiers: Orphanet 319160, MedGen C4707232, MONDO:0013890, OMIM 614807.

Submission:

Labcorp Genetics (formerly Invitae), Labcorp
Classification: Uncertain significance for Congenital myopathy with internal nuclei and atypical cores. Last evaluated: 2022-09-01. Review status: criteria provided, single submitter. Criteria: Invitae Variant Classification Sherloc (09022015). Collection method: clinical testing. Allele origin: germline.
Comment: In summary, the available evidence is currently insufficient to determine the role of this variant in disease. Therefore, it has been classified as a Variant of Uncertain Significance. Algorithms developed to predict the effect of missense changes on protein structure and function are either unavailable or do not agree on the potential impact of this missense change (SIFT: "Deleterious"; PolyPhen-2: "Possibly Damaging"; Align-GVGD: "Class C0"). This variant has not been reported in the literature in individuals affected with CCDC78-related conditions. This variant is not present in population databases (gnomAD no frequency). This sequence change replaces serine, which is neutral and polar, with cysteine, which is neutral and slightly polar, at codon 396 of the CCDC78 protein (p.Ser396Cys).

NM_001378030.1(CCDC78):c.1187C>G (p.Ser396Cys)

Gene: CCDC78 (coiled-coil domain containing 78; minus strand). Cytogenetic location: 16p13.3.
Variant type: single nucleotide variant.
Coding change: c.1187C>G on transcript NM_001378030.1 (MANE Select); coding-DNA position 1187, C replaced by G.
Protein change: p.Ser396Cys; replaces serine 396 with cysteine.
Molecular consequence: missense variant. On other transcripts: non-coding transcript variant (5).
Genome position (GRCh38, 1-based): chr16:723,108, G>C on the plus strand (C>G on the coding strand, the complement: CCDC78 is on the minus strand). VCF-style: chr16-723108-G-C. GRCh37 (hg19) VCF-style: chr16-773108-G-C.
Other names: c.1187C>G, p.Ser396Cys (NM_001031737.3); c.1007C>G, p.Ser336Cys (NM_001378031.1); c.620C>G, p.Ser207Cys (NM_001378033.1); short protein forms S207C, S336C, S396C.
Identifiers: ClinVar variation 1718552 (VCV001718552.5), dbSNP rs2543941341, ClinGen allele CA394097890.